The following is an entry in ClinVar:

ClinVar aggregate classification (germline): Benign. Review status: criteria provided, multiple submitters, no conflicts (2 of 4 stars). 2 submissions from 2 submitters: Benign (2). Last evaluated 2016-01-27.

Allele frequency attached by ClinVar (database versions not stated): gnomAD exomes 0.02103; ExAC 0.04057; ESP Exome Variant Server 0.04409; gnomAD 0.04588 and 0.04804; TOPMed 0.05201; 1000 Genomes Project 0.05671; 1000 Genomes Project 30x 0.05965.
gnomAD v4.1: 22,501 of 1,535,098 alleles (1.5%); highest among the groups gnomAD compares: African/African-American, 14%; 858 homozygotes.

Submissions (2):

GeneDx
Classification: Benign. Last evaluated: 2016-01-27. Review status: criteria provided, single submitter. Criteria: GeneDx Variant Classification (06012015). Collection method: clinical testing. Allele origin: germline. Affected: yes.
Comment: This variant is considered likely benign or benign based on one or more of the following criteria: it is a conservative change, it occurs at a poorly conserved position in the protein, it is predicted to be benign by multiple in silico algorithms, and/or has population frequency not consistent with disease.

Breakthrough Genomics
Classification: Benign. Review status: criteria provided, single submitter. Criteria: ACMG Guidelines, 2015. Collection method: not provided. Allele origin: germline. Inheritance: Autosomal dominant inheritance. Affected: yes.

NM_004522.3(KIF5C):c.2767+15A>C

Gene: KIF5C (kinesin family member 5C; plus strand). Cytogenetic location: 2q23.2.
Variant type: single nucleotide variant.
Coding change: c.2767+15A>C on transcript NM_004522.3 (MANE Select); 15 bases into the intron after coding-DNA position 2767, A replaced by C.
Molecular consequence: intron variant.
Genome position (GRCh38, 1-based): chr2:149,010,366, A>C. VCF-style: chr2-149010366-A-C. GRCh37 (hg19) VCF-style: chr2-149866880-A-C.
Identifiers: ClinVar variation 380907 (VCV000380907.2), dbSNP rs6747871, ClinGen allele CA1901769.